The following is an entry in ClinVar:

NM_201384.3(PLEC):c.4413T>C (p.Ala1471=)

Gene: PLEC (plectin; minus strand). Cytogenetic location: 8q24.3.
Variant type: single nucleotide variant.
Coding change: c.4413T>C on transcript NM_201384.3 (MANE Select); coding-DNA position 4413, T replaced by C.
Protein change: p.Ala1471=; no amino-acid change (alanine 1471 retained).
Molecular consequence: synonymous variant.
Genome position (GRCh38, 1-based): chr8:143,925,516, A>G on the plus strand (T>C on the coding strand, the complement: PLEC is on the minus strand). VCF-style: chr8-143925516-A-G. GRCh37 (hg19) VCF-style: chr8-144999684-A-G.
Other names: p.Ala1457=; c.4494T>C, p.Ala1498= (NM_000445.5); c.4371T>C, p.Ala1457= (NM_201378.4); c.4347T>C, p.Ala1449= (NM_201379.3); c.4824T>C, p.Ala1608= (NM_201380.4); c.4317T>C, p.Ala1439= (NM_201381.3); c.4413T>C, p.Ala1471= (NM_201382.4); c.4425T>C, p.Ala1475= (NM_201383.3).
Identifiers: ClinVar variation 93050 (VCV000093050.28), dbSNP rs35916068, ClinGen allele CA146365.

ClinVar aggregate classification (germline): Benign. Review status: criteria provided, multiple submitters, no conflicts (2 of 4 stars). 14 submissions from 10 submitters: Benign (13). 1 of the submissions does not count toward it. Last evaluated 2026-02-04.

Conditions:
Autosomal recessive limb-girdle muscular dystrophy type 2Q (LGMDR17). Also called: MUSCULAR DYSTROPHY, LIMB-GIRDLE, AUTOSOMAL RECESSIVE 17. Identifiers: Orphanet 254361, MedGen C3150989, MONDO:0013390, OMIM 613723.
Epidermolysis bullosa simplex 5C, with pyloric atresia (EBS5C). Also called: PLEC-Related Epidermolysis Bullosa with Pyloric Atresia; Epidermolysis bullosa simplex with pyloric atresia; PLEC1-Related Epidermolysis Bullosa with Pyloric Atresia. Identifiers: Orphanet 158684, MedGen C2677349, MONDO:0012807, OMIM 612138.
Epidermolysis bullosa simplex 5B, with muscular dystrophy (EBS5B). Also called: EPIDERMOLYSIS BULLOSA SIMPLEX AND LIMB-GIRDLE MUSCULAR DYSTROPHY; Epidermolysis bullosa simplex with muscular dystrophy. Identifiers: Orphanet 257, MedGen C2931072, MONDO:0009181, OMIM 226670.
Epidermolysis bullosa simplex with nail dystrophy (EBS5D). Identifiers: MedGen C4225309, MONDO:0014661, OMIM 616487.
Epidermolysis bullosa simplex, Ogna type (EBS5A). Also called: EPIDERMOLYSIS BULLOSA SIMPLEX 5A, OGNA TYPE; Pidermolysis bullosa simplex 5A, Ogna type. Identifiers: Orphanet 79401, MedGen C0432317, MONDO:0007555, OMIM 131950.

Allele frequency attached by ClinVar (database versions not stated): 1000 Genomes Project 30x 0.23079; 1000 Genomes Project 0.23263; ESP Exome Variant Server 0.24051; TOPMed 0.28313; gnomAD 0.30160 and 0.30359; gnomAD exomes 0.33191; ExAC 0.33565.
gnomAD v4.1: 616,853 of 1,592,696 alleles (39%); highest among the groups gnomAD compares: Non-Finnish European, 42%; 125,850 homozygotes.

Submissions (14):

Labcorp Genetics (formerly Invitae), Labcorp
Classification: Benign for Autosomal recessive limb-girdle muscular dystrophy type 2Q; Epidermolysis bullosa simplex, Ogna type; Epidermolysis bullosa simplex with nail dystrophy; Epidermolysis bullosa simplex 5C, with pyloric atresia; Epidermolysis bullosa simplex 5B, with muscular dystrophy. Last evaluated: 2026-02-04. Review status: criteria provided, single submitter. Criteria: Invitae Variant Classification Sherloc (09022015). Collection method: clinical testing. Allele origin: germline.

Blueprint Genetics
Classification: Benign. Last evaluated: 2024-11-27. Review status: criteria provided, single submitter. Criteria: ACMG Guidelines, 2015. Collection method: clinical testing. Allele origin: germline.

Genome-Nilou Lab
Classification: Benign for Epidermolysis bullosa simplex with nail dystrophy. Last evaluated: 2021-10-25. Review status: criteria provided, single submitter. Criteria: ACMG Guidelines, 2015. Collection method: clinical testing. Allele origin: germline. Affected: no.

Genome-Nilou Lab
Classification: Benign for Epidermolysis bullosa simplex, Ogna type. Last evaluated: 2021-10-25. Review status: criteria provided, single submitter. Criteria: ACMG Guidelines, 2015. Collection method: clinical testing. Allele origin: germline. Affected: no.

Genome-Nilou Lab
Classification: Benign for Epidermolysis bullosa simplex 5B, with muscular dystrophy. Last evaluated: 2021-10-25. Review status: criteria provided, single submitter. Criteria: ACMG Guidelines, 2015. Collection method: clinical testing. Allele origin: germline. Affected: no.

Genome-Nilou Lab
Classification: Benign for Epidermolysis bullosa simplex 5C, with pyloric atresia. Last evaluated: 2021-10-25. Review status: criteria provided, single submitter. Criteria: ACMG Guidelines, 2015. Collection method: clinical testing. Allele origin: germline. Affected: no.

Genome-Nilou Lab
Classification: Benign for Autosomal recessive limb-girdle muscular dystrophy type 2Q. Last evaluated: 2021-10-25. Review status: criteria provided, single submitter. Criteria: ACMG Guidelines, 2015. Collection method: clinical testing. Allele origin: germline. Affected: no.

Mayo Clinic Laboratories, Mayo Clinic
Classification: Benign. Last evaluated: 2017-07-24. Review status: criteria provided, single submitter. Criteria: ACMG Guidelines, 2015. Collection method: clinical testing. Allele origin: germline. Observed: 789 variant alleles.

Eurofins Ntd Llc (ga)
Classification: Benign. Last evaluated: 2016-05-06. Review status: criteria provided, single submitter. Criteria: EGL Classification Definitions 2015. Collection method: clinical testing. Allele origin: germline. Observed: 1 variant allele, 1 heterozygote.

GeneDx
Classification: Benign. Last evaluated: 2015-03-03. Review status: criteria provided, single submitter. Criteria: GeneDx Variant Classification Process June 2021. Collection method: clinical testing. Allele origin: germline. Affected: yes.

Laboratory for Molecular Medicine, Mass General Brigham Personalized Medicine
Classification: Benign. Last evaluated: 2015-01-13. Review status: criteria provided, single submitter. Criteria: LMM Criteria. Collection method: clinical testing. Allele origin: germline. Observed: 9 variant alleles.
Comment: p.Ala1608Ala in exon 31 of PLEC: This variant is not expected to have clinical s ignificance because it does not alter an amino acid residue and is not located w ithin the splice consensus sequence. It has been identified in 32.4% (2423/7476) of European American chromosomes from a broad population by the NHLBI Exome Seq uencing Project (dbSNP rs35916068).

Breakthrough Genomics
Classification: Benign. Review status: criteria provided, single submitter. Criteria: ACMG Guidelines, 2015. Collection method: not provided. Allele origin: germline. Inheritance: Autosomal recessive inheritance. Affected: yes.

PreventionGenetics, part of Exact Sciences
Classification: Benign. Review status: criteria provided, single submitter. Criteria: ACMG Guidelines, 2015. Collection method: clinical testing. Allele origin: germline.

Genetic Services Laboratory, University of Chicago
Classification: Likely benign for AllHighlyPenetrant. Review status: no assertion criteria provided. Collection method: clinical testing. Allele origin: germline. Inheritance: Autosomal recessive inheritance. Not counted in ClinVar's aggregate classification.
Comment: Likely benign based on allele frequency in 1000 Genomes Project or ESP global frequency and its presence in a patient with a rare or unrelated disease phenotype. NOT Sanger confirmed.